The following is an entry in ClinVar:

ClinVar aggregate classification (germline): Uncertain significance (1 of 4 stars; one submission).

Submission:

Genetic Services Laboratory, University of Chicago
Classification: Uncertain significance. Last evaluated: 2021-09-15. Review status: criteria provided, single submitter. Criteria: ACMG Guidelines, 2015. Collection method: clinical testing. Allele origin: germline. Affected: no.
Comment: DNA sequence analysis of the TERC gene demonstrated a sequence change upstream of the TERC gene, n.-501T>C. This change does not appear to have been previously described in patients with TERC-related disorders and has also not been described in the large population databases (ExAC and gnomAD). The functional significance of this sequence change is not known at present and its contribution to this patient's disease phenotype cannot definitively be determined.

NR_001566.1(TERC):n.-501T>C

Genes: TERC (telomerase RNA component; minus strand), LOC110806306 (telomerase RNA component (TERC) promoter; plus strand). Cytogenetic location: 3q26.2.
Variant type: single nucleotide variant.
Genome position: GRCh38 VCF-style: chr3-169765561-A-G. GRCh37 (hg19) VCF-style: chr3-169483349-A-G.
Identifiers: ClinVar variation 1338085 (VCV001338085.4), dbSNP rs2108183965, ClinGen allele CA2573052113.